The following is an entry in ClinVar:

NM_024741.3(ZNF408):c.564G>A (p.Glu188=)

Gene: ZNF408 (zinc finger protein 408; plus strand). Cytogenetic location: 11p11.2.
Variant type: single nucleotide variant.
Coding change: c.564G>A on transcript NM_024741.3 (MANE Select); coding-DNA position 564, G replaced by A.
Protein change: p.Glu188=; no amino-acid change (glutamic acid 188 retained).
Molecular consequence: synonymous variant.
Genome position (GRCh38, 1-based): chr11:46,703,155, G>A. VCF-style: chr11-46703155-G-A. GRCh37 (hg19) VCF-style: chr11-46724705-G-A.
Other names: c.564G>A (NM_024741.2); c.540G>A, p.Glu180= (NM_001184751.2).
Identifiers: ClinVar variation 1155932 (VCV001155932.11), dbSNP rs763129315, ClinGen allele CA5966370.

ClinVar aggregate classification (germline): Likely benign. Review status: criteria provided, single submitter (1 of 4 stars). 2 submissions from 2 submitters: Likely benign (1). 1 of the submissions does not count toward it. Last evaluated 2025-09-15.

Conditions:
ZNF408-related disorder. Also called: ZNF408-related condition.

Allele frequency attached by ClinVar (database versions not stated): gnomAD 0.00001; gnomAD exomes 0.00001 and 0.00006; TOPMed 0.00004; ExAC 0.00005.

Submissions (2):

Labcorp Genetics (formerly Invitae), Labcorp
Classification: Likely benign. Last evaluated: 2025-09-15. Review status: criteria provided, single submitter. Criteria: Invitae Variant Classification Sherloc (09022015). Collection method: clinical testing. Allele origin: germline.

PreventionGenetics, part of Exact Sciences
Classification: Likely benign for ZNF408-related condition. Last evaluated: 2019-09-05. Review status: no assertion criteria provided. Collection method: clinical testing. Allele origin: germline. Not counted in ClinVar's aggregate classification.
Comment: This variant is classified as likely benign based on ACMG/AMP sequence variant interpretation guidelines (Richards et al. 2015 PMID: 25741868, with internal and published modifications).